The following is an entry in ClinVar:

ClinVar aggregate classification (germline): Uncertain significance. Review status: criteria provided, multiple submitters, no conflicts (2 of 4 stars). 2 submissions from 2 submitters: Uncertain significance (2). Last evaluated 2025-08-08.

Conditions:
Inborn genetic diseases. Identifiers: MedGen C0950123, MeSH D030342.
Diffuse cerebral and cerebellar atrophy - intractable seizures - progressive microcephaly syndrome. Also called: Microcephaly, progressive, with seizures and cerebral and cerebellar atrophy. Identifiers: Orphanet 404437, MedGen C4014239, MONDO:0014335, OMIM 615760.

Allele frequency attached by ClinVar (database versions not stated): gnomAD exomes below 0.00001; ExAC 0.00001; ESP Exome Variant Server 0.00008; gnomAD 0.00001; TOPMed 0.00001.
gnomAD v4.1: 16 of 1,614,112 alleles (0.00099%); highest among the groups gnomAD compares: Non-Finnish European, 0.0014%; no homozygotes.

Submissions (2):

Ambry Genetics
Classification: Uncertain significance for Inborn genetic diseases. Last evaluated: 2025-08-08. Review status: criteria provided, single submitter. Criteria: Ambry Variant Classification Scheme 2023. Collection method: clinical testing. Allele origin: germline.

Labcorp Genetics (formerly Invitae), Labcorp
Classification: Uncertain significance for Diffuse cerebral and cerebellar atrophy - intractable seizures - progressive microcephaly syndrome. Last evaluated: 2021-08-18. Review status: criteria provided, single submitter. Criteria: Invitae Variant Classification Sherloc (09022015). Collection method: clinical testing. Allele origin: germline.
Comment: This sequence change replaces leucine with valine at codon 695 of the QARS protein (p.Leu695Val). The leucine residue is highly conserved and there is a small physicochemical difference between leucine and valine. The frequency data for this variant in the population databases is considered unreliable, as metrics indicate poor data quality at this position in the ExAC database. This variant has not been reported in the literature in individuals affected with QARS-related conditions. Algorithms developed to predict the effect of missense changes on protein structure and function (SIFT, PolyPhen-2, Align-GVGD) all suggest that this variant is likely to be disruptive. In summary, the available evidence is currently insufficient to determine the role of this variant in disease. Therefore, it has been classified as a Variant of Uncertain Significance.

NM_005051.3(QARS1):c.2083C>G (p.Leu695Val)

Gene: QARS1 (glutaminyl-tRNA synthetase 1; minus strand). Cytogenetic location: 3p21.31.
Variant type: single nucleotide variant.
Coding change: c.2083C>G on transcript NM_005051.3 (MANE Select); coding-DNA position 2083, C replaced by G.
Protein change: p.Leu695Val; replaces leucine 695 with valine.
Molecular consequence: missense variant. On other transcripts: non-coding transcript variant (1).
Genome position (GRCh38, 1-based): chr3:49,098,354, G>C on the plus strand (C>G on the coding strand, the complement: QARS1 is on the minus strand). VCF-style: chr3-49098354-G-C. GRCh37 (hg19) VCF-style: chr3-49135787-G-C.
Other names: c.2050C>G, p.Leu684Val (NM_001272073.2); c.2083C>G (NM_005051.1); short protein forms L684V, L695V.
Identifiers: ClinVar variation 1493009 (VCV001493009.9), dbSNP rs376482152, ClinGen allele CA2391540.
Genomic context (GRCh38, chr3:49,098,354, plus strand): 5'-CAGCCATAGCAGGCAATGTGCATCTTGTACCTGCCCCCACCCCAGCTCTGTTCACTCACA[G>C]TCGCTCATAGAGGCGAACCTCACACATCAAAGGCTGTGACACCCAGTGAATAAAGGCCTT-3'
Protein context (NP_005042.1, residues 685-705): LMCEVRLYER[Leu695Val]FQHKNPEDPT